The following is an entry in ClinVar:

ClinVar aggregate classification (germline): Likely benign (1 of 4 stars; one submission).

gnomAD v4.1: 23 of 1,611,618 alleles (0.0014%); highest among the groups gnomAD compares: South Asian, 0.023%; no homozygotes.

Submission:

CeGaT Center for Human Genetics Tuebingen
Classification: Likely benign. Last evaluated: 2024-08-01. Review status: criteria provided, single submitter. Criteria: CeGaT Center For Human Genetics Tuebingen Variant Classification Criteria Version 2. Collection method: clinical testing. Allele origin: germline. Affected: yes. Observed: 1 variant allele.
Comment: RIC1: BP4, BP7

NM_020829.4(RIC1):c.576A>G (p.Ser192=)

Gene: RIC1 (RIC1 partner of RAB6A GEF complex; plus strand). Cytogenetic location: 9p24.1.
Variant type: single nucleotide variant.
Coding change: c.576A>G on transcript NM_020829.4 (MANE Select); coding-DNA position 576, A replaced by G.
Protein change: p.Ser192=; no amino-acid change (serine 192 retained).
Molecular consequence: synonymous variant.
Genome position (GRCh38, 1-based): chr9:5,720,317, A>G. VCF-style: chr9-5720317-A-G. GRCh37 (hg19) VCF-style: chr9-5720317-A-G.
Other names: c.576A>G, p.Ser192= (NM_001206557.2, NM_001135920.4).
Identifiers: ClinVar variation 3342056 (VCV003342056.16).